The following is an entry in ClinVar:

NM_004048.4(B2M):c.301C>T (p.Arg101Cys)

Gene: B2M (beta-2-microglobulin; plus strand). Cytogenetic location: 15q21.1.
Variant type: single nucleotide variant.
Coding change: c.301C>T on transcript NM_004048.4 (MANE Select); coding-DNA position 301, C replaced by T.
Protein change: p.Arg101Cys; replaces arginine 101 with cysteine.
Molecular consequence: missense variant.
Genome position (GRCh38, 1-based): chr15:44,715,656, C>T. VCF-style: chr15-44715656-C-T. GRCh37 (hg19) VCF-style: chr15-45007854-C-T.
Other names: short protein forms R101C.
Identifiers: ClinVar variation 2177853 (VCV002177853.2), dbSNP rs754841675, ClinGen allele CA7536307.

ClinVar aggregate classification (germline): Uncertain significance (1 of 4 stars; one submission).

Conditions:
Hypoproteinemia, hypercatabolic (IMD43). Also called: MHC CLASS I DEFICIENCY 4; IMMUNODEFICIENCY 43; BETA-2-MICROGLOBULIN DEFICIENCY; B2M DEFICIENCY. Identifiers: MedGen C1855796, MONDO:0009434, OMIM 241600.

Allele frequency attached by ClinVar (database versions not stated): ExAC 0.00002.

Submission:

Labcorp Genetics (formerly Invitae), Labcorp
Classification: Uncertain significance for Hypoproteinemia, hypercatabolic. Last evaluated: 2025-11-18. Review status: criteria provided, single submitter. Criteria: Invitae Variant Classification Sherloc (09022015). Collection method: clinical testing. Allele origin: germline.
Comment: This sequence change replaces arginine, which is basic and polar, with cysteine, which is neutral and slightly polar, at codon 101 of the B2M protein (p.Arg101Cys). This variant is present in population databases (rs754841675, gnomAD 0.004%). This variant has not been reported in the literature in individuals affected with B2M-related conditions. ClinVar contains an entry for this variant (Variation ID: 2177853). An algorithm developed to predict the effect of missense changes on protein structure and function (PolyPhen-2) suggests that this variant is likely to be disruptive. In summary, the available evidence is currently insufficient to determine the role of this variant in disease. Therefore, it has been classified as a Variant of Uncertain Significance.